The following is an entry in ClinVar:

NM_006922.4(SCN3A):c.665G>A (p.Arg222Gln)

Gene: SCN3A (sodium voltage-gated channel alpha subunit 3; minus strand). Cytogenetic location: 2q24.3.
Variant type: single nucleotide variant.
Coding change: c.665G>A on transcript NM_006922.4 (MANE Select); coding-DNA position 665, G replaced by A.
Protein change: p.Arg222Gln; replaces arginine 222 with glutamine.
Molecular consequence: missense variant. On other transcripts: intron variant (1).
Genome position (GRCh38, 1-based): chr2:165,163,647, C>T on the plus strand (G>A on the coding strand, the complement: SCN3A is on the minus strand). VCF-style: chr2-165163647-C-T. GRCh37 (hg19) VCF-style: chr2-166020157-C-T.
Other names: c.665G>A, p.Arg222Gln (NM_001081676.2); c.694+155G>A (NM_001081677.2); short protein forms R222Q.
Identifiers: ClinVar variation 1043870 (VCV001043870.6), dbSNP rs755792980, ClinGen allele CA1939360.

ClinVar aggregate classification (germline): Uncertain significance (1 of 4 stars; one submission).

Allele frequency attached by ClinVar (database versions not stated): gnomAD exomes 0.00002 and 0.00006; TOPMed 0.00002; gnomAD 0.00001; ExAC 0.00007.
gnomAD v4.1: 35 of 1,613,928 alleles (0.0022%); highest among the groups gnomAD compares: Admixed American, 0.017%; 1 homozygote.

Submission:

Labcorp Genetics (formerly Invitae), Labcorp
Classification: Uncertain significance. Last evaluated: 2025-11-10. Review status: criteria provided, single submitter. Criteria: Invitae Variant Classification Sherloc (09022015). Collection method: clinical testing. Allele origin: germline.
Comment: This sequence change replaces arginine, which is basic and polar, with glutamine, which is neutral and polar, at codon 222 of the SCN3A protein (p.Arg222Gln). This variant is present in population databases (rs755792980, gnomAD 0.03%), and has an allele count higher than expected for a pathogenic variant. This variant has not been reported in the literature in individuals affected with SCN3A-related conditions. ClinVar contains an entry for this variant (Variation ID: 1043870). Invitae Evidence Modeling of protein sequence and biophysical properties (such as structural, functional, and spatial information, amino acid conservation, physicochemical variation, residue mobility, and thermodynamic stability) indicates that this missense variant is expected to disrupt SCN3A protein function with a positive predictive value of 80%. In summary, the available evidence is currently insufficient to determine the role of this variant in disease. Therefore, it has been classified as a Variant of Uncertain Significance.